The following is an entry in ClinVar:

ClinVar aggregate classification (germline): Likely benign. Review status: criteria provided, single submitter (1 of 4 stars). 2 submissions from 2 submitters: Likely benign (1). 1 of the submissions does not count toward it. Last evaluated 2025-11-17.

Conditions:
MLH3-related disorder. Also called: MLH3-related condition.

Submissions (2):

Ambry Genetics
Classification: Likely benign. Last evaluated: 2025-11-17. Review status: criteria provided, single submitter. Criteria: Ambry Variant Classification Scheme 2023. Collection method: clinical testing. Allele origin: germline.

PreventionGenetics, part of Exact Sciences
Classification: Likely benign for MLH3-related condition. Last evaluated: 2021-10-26. Review status: no assertion criteria provided. Collection method: clinical testing. Allele origin: germline. Not counted in ClinVar's aggregate classification.
Comment: This variant is classified as likely benign based on ACMG/AMP sequence variant interpretation guidelines (Richards et al. 2015 PMID: 25741868, with internal and published modifications).

NM_001040108.2(MLH3):c.4051C>T (p.Leu1351=)

Gene: MLH3 (mutL homolog 3; minus strand). Cytogenetic location: 14q24.3.
Variant type: single nucleotide variant.
Coding change: c.4051C>T on transcript NM_001040108.2 (MANE Select); coding-DNA position 4051, C replaced by T.
Protein change: p.Leu1351=; no amino-acid change (leucine 1351 retained).
Molecular consequence: synonymous variant.
Genome position (GRCh38, 1-based): chr14:75,022,853, G>A on the plus strand (C>T on the coding strand, the complement: MLH3 is on the minus strand). VCF-style: chr14-75022853-G-A. GRCh37 (hg19) VCF-style: chr14-75489556-G-A.
Other names: c.3979C>T, p.Leu1327= (NM_014381.3).
Identifiers: ClinVar variation 3058313 (VCV003058313.3), dbSNP rs2503068817, ClinGen allele CA487175417.